The following is an entry in ClinVar:

ClinVar aggregate classification (germline): Uncertain significance. Review status: criteria provided, multiple submitters, no conflicts (2 of 4 stars). 3 submissions from 3 submitters: Uncertain significance (2). 1 of the submissions does not count toward it. Last evaluated 2024-07-29.

Conditions:
Cardiovascular phenotype. Identifiers: MedGen CN230736.
Glycogen storage disease, type II (IOPD). Also called: CARDIOMEGALIA GLYCOGENICA DIFFUSA; Pompe Disease; ACID MALTASE DEFICIENCY, INFANTILE-ONSET; POMPE DISEASE, INFANTILE-ONSET; GLYCOGEN STORAGE DISEASE II, INFANTILE-ONSET; ACID ALPHA-GLUCOSIDASE DEFICIENCY, INFANTILE-ONSET. Identifiers: Orphanet 365, MedGen C0017921, MONDO:0009290, OMIM 232300.

Allele frequency attached by ClinVar (database versions not stated): TOPMed 0.00002; 1000 Genomes Project 0.00020; 1000 Genomes Project 30x 0.00031.
gnomAD v4.1: 12 of 1,594,338 alleles (0.00075%); highest among the groups gnomAD compares: Admixed American, 0.0017%; no homozygotes.

Submissions (3):

Labcorp Genetics (formerly Invitae), Labcorp
Classification: Uncertain significance for Glycogen storage disease, type II. Last evaluated: 2024-07-29. Review status: criteria provided, single submitter. Criteria: Invitae Variant Classification Sherloc (09022015). Collection method: clinical testing. Allele origin: germline.
Comment: This sequence change replaces alanine, which is neutral and non-polar, with valine, which is neutral and non-polar, at codon 719 of the GAA protein (p.Ala719Val). The frequency data for this variant in the population databases is considered unreliable, as metrics indicate poor data quality at this position in the gnomAD database. This variant has not been reported in the literature in individuals affected with GAA-related conditions. ClinVar contains an entry for this variant (Variation ID: 640037). Advanced modeling of protein sequence and biophysical properties (such as structural, functional, and spatial information, amino acid conservation, physicochemical variation, residue mobility, and thermodynamic stability) performed at Invitae indicates that this missense variant is not expected to disrupt GAA protein function with a negative predictive value of 95%. In summary, the available evidence is currently insufficient to determine the role of this variant in disease. Therefore, it has been classified as a Variant of Uncertain Significance.

Ambry Genetics
Classification: Uncertain significance for Cardiovascular phenotype. Last evaluated: 2024-06-18. Review status: criteria provided, single submitter. Criteria: Ambry Variant Classification Scheme 2023. Collection method: clinical testing. Allele origin: germline.
Comment: The p.A719V variant (also known as c.2156C>T), located in coding exon 14 of the GAA gene, results from a C to T substitution at nucleotide position 2156. The alanine at codon 719 is replaced by valine, an amino acid with similar properties. This amino acid position is poorly conserved in available vertebrate species. In addition, this alteration is predicted to be tolerated by in silico analysis. Based on the available evidence, the clinical significance of this variant remains unclear.

Natera, Inc.
Classification: Uncertain significance for Glycogen storage disease type II. Last evaluated: 2020-03-27. Review status: no assertion criteria provided. Collection method: clinical testing. Allele origin: germline. Not counted in ClinVar's aggregate classification.

NM_000152.5(GAA):c.2156C>T (p.Ala719Val)

Gene: GAA (alpha glucosidase; plus strand). Cytogenetic location: 17q25.3.
Variant type: single nucleotide variant.
Coding change: c.2156C>T on transcript NM_000152.5 (MANE Select); coding-DNA position 2156, C replaced by T.
Protein change: p.Ala719Val; replaces alanine 719 with valine.
Molecular consequence: missense variant.
Genome position (GRCh38, 1-based): chr17:80,113,333, C>T. VCF-style: chr17-80113333-C-T. GRCh37 (hg19) VCF-style: chr17-78087132-C-T.
Other names: c.2156C>T (LRG_673t1); c.2156C>T, p.Ala719Val (NM_001079803.3, NM_001079804.3); short protein forms A719V.
Identifiers: ClinVar variation 640037 (VCV000640037.10), dbSNP rs146762316, ClinGen allele CA8815630.
Genomic context (GRCh38, chr17:80,113,333, plus strand): 5'-TCACCCTGCGCTACGCACTCCTCCCCCACCTCTACACACTGTTCCACCAGGCCCACGTCG[C>T]GGGGGAGACCGTGGCCCGGCCCCTCTTCCTGGAGTGAGTGACCTAGGCAGGGGCGGTGGC-3'
Protein context (NP_000143.2, residues 709-729): LYTLFHQAHV[Ala719Val]GETVARPLFL